The following is an entry in ClinVar:

NM_001486.4(GCKR):c.1465G>C (p.Val489Leu)

Gene: GCKR (glucokinase regulator; plus strand). Cytogenetic location: 2p23.3.
Variant type: single nucleotide variant.
Coding change: c.1465G>C on transcript NM_001486.4 (MANE Select); coding-DNA position 1465, G replaced by C.
Protein change: p.Val489Leu; replaces valine 489 with leucine.
Molecular consequence: missense variant.
Genome position (GRCh38, 1-based): chr2:27,518,830, G>C. VCF-style: chr2-27518830-G-C. GRCh37 (hg19) VCF-style: chr2-27741697-G-C.
Other names: short protein forms V489L.
Identifiers: ClinVar variation 4798097 (VCV004798097.1).

ClinVar aggregate classification (germline): Uncertain significance (1 of 4 stars; one submission).

gnomAD v4.1: 23 of 1,611,886 alleles (0.0014%); highest among the groups gnomAD compares: Admixed American, 0.018%; no homozygotes.

Submission:

Labcorp Genetics (formerly Invitae), Labcorp
Classification: Uncertain significance. Last evaluated: 2026-01-05. Review status: criteria provided, single submitter. Criteria: Invitae Variant Classification Sherloc (09022015). Collection method: clinical testing. Allele origin: germline.
Comment: This sequence change replaces valine, which is neutral and non-polar, with leucine, which is neutral and non-polar, at codon 489 of the GCKR protein (p.Val489Leu). This variant is present in population databases (rs752882675, gnomAD 0.02%). This variant has not been reported in the literature in individuals affected with GCKR-related conditions. Invitae Evidence Modeling of protein sequence and biophysical properties (such as structural, functional, and spatial information, amino acid conservation, physicochemical variation, residue mobility, and thermodynamic stability) indicates that this missense variant is not expected to disrupt GCKR protein function with a negative predictive value of 80%. In summary, the available evidence is currently insufficient to determine the role of this variant in disease. Therefore, it has been classified as a Variant of Uncertain Significance.